The following is an entry in ClinVar:

ClinVar aggregate classification (germline): Uncertain significance. Review status: criteria provided, multiple submitters, no conflicts (2 of 4 stars). 3 submissions from 3 submitters: Uncertain significance (3). Last evaluated 2023-04-11.

Conditions:
Inborn genetic diseases. Identifiers: MedGen C0950123, MeSH D030342.

Allele frequency attached by ClinVar (database versions not stated): ExAC 0.00002; TOPMed 0.00002; gnomAD 0.00004.
gnomAD v4.1: 49 of 1,614,034 alleles (0.003%); highest among the groups gnomAD compares: African/African-American, 0.0053%; no homozygotes.

Submissions (3):

Ambry Genetics
Classification: Uncertain significance for Inborn genetic diseases. Last evaluated: 2023-04-11. Review status: criteria provided, single submitter. Criteria: Ambry Variant Classification Scheme 2023. Collection method: clinical testing. Allele origin: germline.

Labcorp Genetics (formerly Invitae), Labcorp
Classification: Uncertain significance. Last evaluated: 2022-06-09. Review status: criteria provided, single submitter. Criteria: Invitae Variant Classification Sherloc (09022015). Collection method: clinical testing. Allele origin: germline.
Comment: In summary, the available evidence is currently insufficient to determine the role of this variant in disease. Therefore, it has been classified as a Variant of Uncertain Significance. Advanced modeling of protein sequence and biophysical properties (such as structural, functional, and spatial information, amino acid conservation, physicochemical variation, residue mobility, and thermodynamic stability) performed at Invitae indicates that this missense variant is not expected to disrupt CNGB1 protein function. This variant has not been reported in the literature in individuals affected with CNGB1-related conditions. This variant is present in population databases (rs200086229, gnomAD 0.02%). This sequence change replaces proline, which is neutral and non-polar, with leucine, which is neutral and non-polar, at codon 41 of the CNGB1 protein (p.Pro41Leu).

Blueprint Genetics
Classification: Uncertain significance. Last evaluated: 2022-03-18. Review status: criteria provided, single submitter. Criteria: ACMG Guidelines, 2015. Collection method: clinical testing. Allele origin: germline.

NM_001297.5(CNGB1):c.122C>T (p.Pro41Leu)

Gene: CNGB1 (cyclic nucleotide gated channel subunit beta 1; minus strand). Cytogenetic location: 16q21.
Variant type: single nucleotide variant.
Coding change: c.122C>T on transcript NM_001297.5 (MANE Select); coding-DNA position 122, C replaced by T.
Protein change: p.Pro41Leu; replaces proline 41 with leucine.
Molecular consequence: missense variant.
Genome position (GRCh38, 1-based): chr16:57,967,165, G>A on the plus strand (C>T on the coding strand, the complement: CNGB1 is on the minus strand). VCF-style: chr16-57967165-G-A. GRCh37 (hg19) VCF-style: chr16-58001069-G-A.
Other names: c.122C>T (NM_001297.4); c.122C>T, p.Pro41Leu (NM_001135639.2, NM_001286130.2); short protein forms P41L.
Identifiers: ClinVar variation 1903513 (VCV001903513.6), dbSNP rs200086229, ClinGen allele CA8084000.